The following is an entry in ClinVar:

NC_000011.10:g.(?_2883979)_(2885755_?)del

Gene: CDKN1C (cyclin dependent kinase inhibitor 1C; minus strand). Cytogenetic location: 11p15.4.
Variant type: Deletion.
Identifiers: ClinVar variation 584251 (VCV000584251.7).

ClinVar aggregate classification (germline): Pathogenic (1 of 4 stars; one submission).

Conditions:
Beckwith-Wiedemann syndrome (BWS). Also called: Exomphalos macroglossia gigantism syndrome; EMG SYNDROME. Identifiers: Orphanet 116, MedGen C0004903, MONDO:0007534, OMIM 130650.

Submission:

Labcorp Genetics (formerly Invitae), Labcorp
Classification: Pathogenic for Beckwith-Wiedemann syndrome. Last evaluated: 2022-10-13. Review status: criteria provided, single submitter. Criteria: Invitae Variant Classification Sherloc (09022015). Collection method: clinical testing. Allele origin: germline.
Comment: A gross deletion of the genomic region encompassing the full coding sequence of the CDKN1C gene has been identified. Loss-of-function variants in CDKN1C are known to be pathogenic (PMID: 20503313). The boundaries of this event are unknown as they extend beyond the assayed region for this gene and therefore may encompass additional genes. Isolated whole-gene deletions of CDKN1C have not been reported in the literature. However, larger copy number events that include this gene have been reported (PMID: 19843502). For these reasons, this variant has been classified as Pathogenic.

Literature cited by the submitters: PubMed 20503313; PubMed 19843502.